The following is an entry in ClinVar:

ClinVar aggregate classification (germline): Uncertain significance (1 of 4 stars; one submission).

Conditions:
Idiopathic generalized epilepsy. Also called: EIG; Generalised epilepsy. Identifiers: MedGen C0270850, MONDO:0005579, OMIM 600669.

Submission:

Labcorp Genetics (formerly Invitae), Labcorp
Classification: Uncertain significance for Idiopathic generalized epilepsy. Last evaluated: 2019-08-12. Review status: criteria provided, single submitter. Criteria: Invitae Variant Classification Sherloc (09022015). Collection method: clinical testing. Allele origin: germline.
Comment: This variant results in a copy number gain of the genomic region encompassing the full coding sequence of the RBFOX1 gene. The boundaries of this event are unknown as they extend beyond the assayed region for this gene and therefore may encompass additional genes. As the precise location of this event is unknown, it may be in tandem or it may be located elsewhere in the genome. This variant has not been reported in the literature in individuals with RBFOX1-related conditions. In summary, the available evidence is currently insufficient to determine the role of this variant in disease. Therefore, it has been classified as a Variant of Uncertain Significance.

NC_000016.9:g.(?_7102053)_(7760767_?)dup

Gene: RBFOX1 (RNA binding fox-1 homolog 1; plus strand). Cytogenetic location: 16p13.3.
Variant type: Duplication.
Identifiers: ClinVar variation 1025478 (VCV001025478.1).